The following is an entry in ClinVar:

ClinVar aggregate classification (germline): Conflicting classifications of pathogenicity. Review status: criteria provided, conflicting classifications (1 of 4 stars). 3 submissions from 3 submitters: Uncertain significance (1); Likely benign (2). Last evaluated 2025-12-15.

Conditions:
Hereditary nonpolyposis colorectal neoplasms. Identifiers: MedGen C0009405, MeSH D003123.
Hereditary cancer-predisposing syndrome. Also called: Neoplastic Syndromes, Hereditary; Tumor predisposition; Hereditary Cancer Syndrome; Hereditary neoplastic syndrome. Identifiers: Orphanet 140162, MedGen C0027672, MeSH D009386, MONDO:0015356.

Allele frequency attached by ClinVar (database versions not stated): gnomAD exomes below 0.00001 and 0.00001; TOPMed below 0.00001; ExAC 0.00001; gnomAD 0.00001; ESP Exome Variant Server 0.00008.
gnomAD v4.1: 12 of 1,614,074 alleles (0.00074%); highest among the groups gnomAD compares: East Asian, 0.0022%; no homozygotes.

Submissions (3):

Labcorp Genetics (formerly Invitae), Labcorp
Classification: Likely benign for Hereditary nonpolyposis colorectal neoplasms. Last evaluated: 2025-12-15. Review status: criteria provided, single submitter. Criteria: Invitae Variant Classification Sherloc (09022015). Collection method: clinical testing. Allele origin: germline.

Ambry Genetics
Classification: Likely benign for Hereditary cancer-predisposing syndrome. Last evaluated: 2025-10-21. Review status: criteria provided, single submitter. Criteria: Ambry Variant Classification Scheme 2023. Collection method: clinical testing. Allele origin: germline.

Color Diagnostics, LLC DBA Color Health
Classification: Uncertain significance for Hereditary cancer-predisposing syndrome. Last evaluated: 2022-06-06. Review status: criteria provided, single submitter. Criteria: ACMG Guidelines, 2015. Collection method: clinical testing. Allele origin: germline.
Comment: This missense variant replaces isoleucine with threonine at codon 651 of the MSH6 protein. Computational prediction tool suggests that this variant may not impact protein structure and function (internally defined REVEL score threshold <= 0.5, PMID: 27666373). Splice site prediction tools suggest that this variant may not impact RNA splicing. To our knowledge, functional studies have not been performed for this variant. This variant has not been reported in individuals affected with hereditary cancer in the literature. This variant has been identified in 1/251208 chromosomes in the general population by the Genome Aggregation Database (gnomAD). The available evidence is insufficient to determine the role of this variant in disease conclusively. Therefore, this variant is classified as a Variant of Uncertain Significance.

NM_000179.3(MSH6):c.1952T>C (p.Ile651Thr)

Gene: MSH6 (mutS homolog 6; plus strand). Cytogenetic location: 2p16.3.
Variant type: single nucleotide variant.
Coding change: c.1952T>C on transcript NM_000179.3 (MANE Select); coding-DNA position 1952, T replaced by C.
Protein change: p.Ile651Thr; replaces isoleucine 651 with threonine.
Molecular consequence: missense variant.
Genome position (GRCh38, 1-based): chr2:47,799,935, T>C. VCF-style: chr2-47799935-T-C. GRCh37 (hg19) VCF-style: chr2-48027074-T-C.
Other names: c.1562T>C, p.Ile521Thr (NM_001281492.2); c.1046T>C, p.Ile349Thr (NM_001281493.2, NM_001281494.2); short protein forms I349T, I651T, I521T.
Identifiers: ClinVar variation 820400 (VCV000820400.18), dbSNP rs144823143, ClinGen allele CA068312.
Genomic context (GRCh38, chr2:47,799,935, plus strand): 5'-CCAAAACTTTGAGAACTCTCCTTGAGGAAGAATATTTTAGGGAAAAGCTAAGTGATGGCA[T>C]TGGGGTGATGTTACCCCAGGTGCTTAAAGGTATGACTTCAGAGTCTGATTCCATTGGGTT-3'
Protein context (NP_000170.1, residues 641-661): EYFREKLSDG[Ile651Thr]GVMLPQVLKG